The following is an entry in ClinVar:

ClinVar aggregate classification (germline): Uncertain significance. Review status: criteria provided, multiple submitters, no conflicts (2 of 4 stars). 2 submissions from 2 submitters: Uncertain significance (2). Last evaluated 2025-03-21.

Conditions:
Frontotemporal dementia and/or amyotrophic lateral sclerosis 1 (FTDALS1). Also called: Frontotemporal dementia with motor neuron disease 1; C9orf72 Frontotemporal Dementia and/or Amyotrophic Lateral Sclerosis. Identifiers: Orphanet 275872, MedGen C5779877, MONDO:0007105, OMIM 105550.
Paget disease of bone 2, early-onset (PDB2). Also called: Paget disease of bone 2. Identifiers: MedGen C4085251, MONDO:0011183, OMIM 602080.
Inborn genetic diseases. Identifiers: MedGen C0950123, MeSH D030342.

Allele frequency attached by ClinVar (database versions not stated): ExAC below 0.00001; gnomAD exomes 0.00001; TOPMed 0.00002; gnomAD 0.00003 and 0.00004.
gnomAD v4.1: 20 of 1,502,536 alleles (0.0013%); highest among the groups gnomAD compares: African/African-American, 0.014%; no homozygotes.

Submissions (2):

Ambry Genetics
Classification: Uncertain significance for Inborn genetic diseases. Last evaluated: 2025-03-21. Review status: criteria provided, single submitter. Criteria: Ambry Variant Classification Scheme 2023. Collection method: clinical testing. Allele origin: germline.

Labcorp Genetics (formerly Invitae), Labcorp
Classification: Uncertain significance for Paget disease of bone 2, early-onset; Frontotemporal dementia and/or amyotrophic lateral sclerosis 1. Last evaluated: 2022-11-07. Review status: criteria provided, single submitter. Criteria: Invitae Variant Classification Sherloc (09022015). Collection method: clinical testing. Allele origin: germline.
Comment: ClinVar contains an entry for this variant (Variation ID: 542157). Advanced modeling of protein sequence and biophysical properties (such as structural, functional, and spatial information, amino acid conservation, physicochemical variation, residue mobility, and thermodynamic stability) performed at Invitae indicates that this missense variant is not expected to disrupt SQSTM1 protein function. This variant has not been reported in the literature in individuals affected with SQSTM1-related conditions. In summary, the available evidence is currently insufficient to determine the role of this variant in disease. Therefore, it has been classified as a Variant of Uncertain Significance. This sequence change replaces proline, which is neutral and non-polar, with leucine, which is neutral and non-polar, at codon 41 of the SQSTM1 protein (p.Pro41Leu). This variant is present in population databases (rs745356508, gnomAD 0.02%).

NM_003900.5(SQSTM1):c.122C>T (p.Pro41Leu)

Gene: SQSTM1 (sequestosome 1; plus strand). Cytogenetic location: 5q35.3.
Variant type: single nucleotide variant.
Coding change: c.122C>T on transcript NM_003900.5 (MANE Select); coding-DNA position 122, C replaced by T.
Protein change: p.Pro41Leu; replaces proline 41 with leucine.
Molecular consequence: missense variant. On other transcripts: intron variant (2).
Genome position (GRCh38, 1-based): chr5:179,821,058, C>T. VCF-style: chr5-179821058-C-T. GRCh37 (hg19) VCF-style: chr5-179248058-C-T.
Other names: c.-47-1900C>T (NM_001142298.2, NM_001142299.2); short protein forms P41L.
Identifiers: ClinVar variation 542157 (VCV000542157.7), dbSNP rs745356508, ClinGen allele CA3600376.